The following is an entry in ClinVar:

ClinVar aggregate classification (germline): Benign. Review status: criteria provided, multiple submitters, no conflicts (2 of 4 stars). 2 submissions from 2 submitters: Benign (2). Last evaluated 2018-06-14.

Allele frequency attached by ClinVar (database versions not stated): gnomAD exomes 0.79810; gnomAD 0.80540 and 0.81089; TOPMed 0.82099; 1000 Genomes Project 30x 0.88882; 1000 Genomes Project 0.88938.
gnomAD v4.1: 436,310 of 544,046 alleles (80%); highest among the groups gnomAD compares: East Asian, 100%; 176,518 homozygotes.

Submissions (2):

GeneDx
Classification: Benign. Last evaluated: 2018-06-14. Review status: criteria provided, single submitter. Criteria: GeneDx Variant Classification (06012015). Collection method: clinical testing. Allele origin: germline. Affected: yes.
Comment: This variant is considered likely benign or benign based on one or more of the following criteria: it is a conservative change, it occurs at a poorly conserved position in the protein, it is predicted to be benign by multiple in silico algorithms, and/or has population frequency not consistent with disease.

Breakthrough Genomics
Classification: Benign. Review status: criteria provided, single submitter. Criteria: ACMG Guidelines, 2015. Collection method: not provided. Allele origin: germline. Inheritance: Autosomal recessive inheritance. Affected: yes.

NM_016035.5(COQ4):c.402+304C>T

Gene: COQ4 (coenzyme Q4; plus strand). Cytogenetic location: 9q34.11.
Variant type: single nucleotide variant.
Coding change: c.402+304C>T on transcript NM_016035.5 (MANE Select); 304 bases into the intron after coding-DNA position 402, C replaced by T.
Molecular consequence: intron variant.
Genome position (GRCh38, 1-based): chr9:128,326,185, C>T. VCF-style: chr9-128326185-C-T. GRCh37 (hg19) VCF-style: chr9-131088464-C-T.
Other names: c.2+304C>T (NM_001305942.2).
Identifiers: ClinVar variation 683561 (VCV000683561.2), dbSNP rs3003600, ClinGen allele CA13020678.